The following is an entry in ClinVar:

ClinVar aggregate classification (germline): Uncertain significance (1 of 4 stars; one submission).

Submission:

GeneDx
Classification: Uncertain significance. Last evaluated: 2026-03-07. Review status: criteria provided, single submitter. Criteria: GeneDx Variant Classification Process June 2021. Collection method: clinical testing. Allele origin: germline.
Comment: Not observed at significant frequency in large population cohorts (gnomAD); In silico analysis supports that this missense variant has a deleterious effect on protein structure/function; Has not been previously published as pathogenic or benign to our knowledge; Reported using an alternate transcript of the gene

NM_001083619.3(GRIA2):c.2406+497G>A

Gene: GRIA2 (glutamate ionotropic receptor AMPA type subunit 2; plus strand). Cytogenetic location: 4q32.1.
Variant type: single nucleotide variant.
Coding change: c.2406+497G>A on transcript NM_001083619.3 (MANE Select); 497 bases into the intron after coding-DNA position 2406, G replaced by A.
Molecular consequence: intron variant. On other transcripts: missense variant (3).
Genome position (GRCh38, 1-based): chr4:157,361,621, G>A. VCF-style: chr4-157361621-G-A. GRCh37 (hg19) VCF-style: chr4-158282773-G-A.
Other names: c.2375G>A, p.Gly792Asp (NM_000826.6); c.2234G>A, p.Gly745Asp (NM_001083620.3, NM_001379001.3); c.2265+497G>A (NM_001379000.3); short protein forms G792D, G745D.
Identifiers: ClinVar variation 5009796 (VCV005009796.1).